The following is an entry in ClinVar:

ClinVar aggregate classification (germline): Uncertain significance (1 of 4 stars; one submission).

Conditions:
Inborn genetic diseases. Identifiers: MedGen C0950123, MeSH D030342.

gnomAD v4.1: 2 of 1,594,564 alleles (0.00013%); highest among the groups gnomAD compares: Admixed American, 0.0018%; no homozygotes.

Submission:

Ambry Genetics
Classification: Uncertain significance for Inborn genetic diseases. Last evaluated: 2026-02-28. Review status: criteria provided, single submitter. Criteria: Ambry Variant Classification Scheme 2023. Collection method: clinical testing. Allele origin: germline.
Comment: The c.3071G>A (p.R1024H) alteration is located in exon 26 (coding exon 26) of the MAP4K4 gene. This alteration results from a G to A substitution at nucleotide position 3071, causing the arginine (R) at amino acid position 1024 to be replaced by a histidine (H). Based on data from gnomAD, the A allele has an overall frequency of <0.001% (1/230994) total alleles studied. The highest observed frequency was 0.003% (1/29294) of Latino alleles. Based on insufficient or conflicting evidence, the clinical significance of this alteration remains unclear.

NM_001395002.1(MAP4K4):c.3404G>A (p.Arg1135His)

Gene: MAP4K4 (mitogen-activated protein kinase kinase kinase kinase 4; plus strand). Cytogenetic location: 2q11.2.
Variant type: single nucleotide variant.
Coding change: c.3404G>A on transcript NM_001395002.1 (MANE Select); coding-DNA position 3404, G replaced by A.
Protein change: p.Arg1135His; replaces arginine 1135 with histidine.
Molecular consequence: missense variant. On other transcripts: non-coding transcript variant (4).
Genome position (GRCh38, 1-based): chr2:101,882,569, G>A. VCF-style: chr2-101882569-G-A. GRCh37 (hg19) VCF-style: chr2-102499031-G-A.
Other names: c.2969G>A, p.Arg990His (NM_001242559.2); c.2957G>A, p.Arg986His (NM_001242560.2); c.3047G>A, p.Arg1016His (NM_001384476.1); c.3236G>A, p.Arg1079His (NM_001384477.1); c.2726G>A, p.Arg909His (NM_001384478.1); c.3164G>A, p.Arg1055His (NM_001384481.1); c.2717G>A, p.Arg906His (NM_001384482.1); c.2999G>A, p.Arg1000His (NM_001384483.1); and 39 more; short protein forms R1000H, R1006H, R1015H, R1016H, R1055H, R1057H, R1071H, R1079H.
Identifiers: ClinVar variation 4840736 (VCV004840736.1).